The following is an entry in ClinVar:

ClinVar aggregate classification (germline): Benign/Likely benign. Review status: criteria provided, multiple submitters, no conflicts (2 of 4 stars). 4 submissions from 4 submitters: Benign (1); Likely benign (2). 1 of the submissions does not count toward it. Last evaluated 2026-01-12.

Conditions:
Severe combined immunodeficiency due to DNA-PKcs deficiency. Also called: IMMUNODEFICIENCY 26 WITH NEUROLOGIC ABNORMALITIES; Immunodeficiency 26 with or without neurologic abnormalities. Identifiers: Orphanet 317425, MedGen C4014833, MONDO:0014423, OMIM 615966.
PRKDC-related disorder. Also called: PRKDC-related condition.

Allele frequency attached by ClinVar (database versions not stated): gnomAD exomes 0.00006 and 0.00016; ExAC 0.00025; 1000 Genomes Project 0.00040; 1000 Genomes Project 30x 0.00047; gnomAD 0.00073 and 0.00081; TOPMed 0.00088; ESP Exome Variant Server 0.00103.
gnomAD v4.1: 195 of 1,596,902 alleles (0.012%); highest among the groups gnomAD compares: African/African-American, 0.25%; no homozygotes.

Submissions (4):

Labcorp Genetics (formerly Invitae), Labcorp
Classification: Benign for Severe combined immunodeficiency due to DNA-PKcs deficiency. Last evaluated: 2026-01-12. Review status: criteria provided, single submitter. Criteria: Invitae Variant Classification Sherloc (09022015). Collection method: clinical testing. Allele origin: germline.

Blueprint Genetics
Classification: Likely benign. Last evaluated: 2023-07-27. Review status: criteria provided, single submitter. Criteria: ACMG Guidelines, 2015. Collection method: clinical testing. Allele origin: germline.

Ambry Genetics
Classification: Likely benign. Last evaluated: 2022-02-15. Review status: criteria provided, single submitter. Criteria: Ambry Variant Classification Scheme 2023. Collection method: clinical testing. Allele origin: germline.

PreventionGenetics, part of Exact Sciences
Classification: Likely benign for PRKDC-related condition. Last evaluated: 2024-01-31. Review status: no assertion criteria provided. Collection method: clinical testing. Allele origin: germline. Not counted in ClinVar's aggregate classification.
Comment: This variant is classified as likely benign based on ACMG/AMP sequence variant interpretation guidelines (Richards et al. 2015 PMID: 25741868, with internal and published modifications).

NM_006904.7(PRKDC):c.1728T>G (p.Val576=)

Gene: PRKDC (protein kinase, DNA-activated, catalytic subunit; minus strand). Cytogenetic location: 8q11.21.
Variant type: single nucleotide variant.
Coding change: c.1728T>G on transcript NM_006904.7 (MANE Select); coding-DNA position 1728, T replaced by G.
Protein change: p.Val576=; no amino-acid change (valine 576 retained).
Molecular consequence: synonymous variant.
Genome position (GRCh38, 1-based): chr8:47,933,068, A>C on the plus strand (T>G on the coding strand, the complement: PRKDC is on the minus strand). VCF-style: chr8-47933068-A-C. GRCh37 (hg19) VCF-style: chr8-48845628-A-C.
Other names: c.1728T>G, p.Val576= (NM_001081640.2).
Identifiers: ClinVar variation 709437 (VCV000709437.16), dbSNP rs369983299, ClinGen allele CA4741656.
Genomic context (GRCh38, chr8:47,933,068, plus strand): 5'-AAAATTTCTAACCTCTTGTTCCCCAACAGTCTGTATTTCAAGTGTAAGATCCAATTTCTC[A>C]ACAATCTTCAAAACGGATTTTACAAATTCATCATAAAGTAAATGATTCAGACTTTCACTG-3'
Protein context (NP_008835.5, residues 566-586): DEFVKSVLKI[Val576=]EKLDLTLEIQ